The following is an entry in ClinVar:

NM_001276270.2(MBD4):c.739A>G (p.Lys247Glu)

Gene: MBD4 (methyl-CpG binding domain 4, DNA glycosylase; minus strand). Cytogenetic location: 3q21.3.
Variant type: single nucleotide variant.
Coding change: c.739A>G on transcript NM_001276270.2 (MANE Select); coding-DNA position 739, A replaced by G.
Protein change: p.Lys247Glu; replaces lysine 247 with glutamic acid.
Molecular consequence: missense variant. On other transcripts: intron variant (1).
Genome position (GRCh38, 1-based): chr3:129,436,905, T>C on the plus strand (A>G on the coding strand, the complement: MBD4 is on the minus strand). VCF-style: chr3-129436905-T-C. GRCh37 (hg19) VCF-style: chr3-129155748-T-C.
Other names: c.739A>G, p.Lys247Glu (NM_001276271.2, NM_001276272.2, NM_003925.3); c.247+903A>G (NM_001276273.2); short protein forms K247E.
Identifiers: ClinVar variation 4825721 (VCV004825721.1).

ClinVar aggregate classification (germline): Uncertain significance (1 of 4 stars; one submission).

Conditions:
Inborn genetic diseases. Identifiers: MedGen C0950123, MeSH D030342.

Submission:

Ambry Genetics
Classification: Uncertain significance for Inborn genetic diseases. Last evaluated: 2026-02-22. Review status: criteria provided, single submitter. Criteria: Ambry Variant Classification Scheme 2023. Collection method: clinical testing. Allele origin: germline.
Comment: The p.K247E variant (also known as c.739A>G), located in coding exon 3 of the MBD4 gene, results from an A to G substitution at nucleotide position 739. The lysine at codon 247 is replaced by glutamic acid, an amino acid with similar properties. This amino acid position is conserved. In addition, the in silico prediction for this alteration is inconclusive. Based on the available evidence, the clinical significance of this variant remains unclear.